The following is an entry in ClinVar:

NM_032730.5(RTN4IP1):c.669G>C (p.Gln223His)

Gene: RTN4IP1 (reticulon 4 interacting protein 1; minus strand). Cytogenetic location: 6q21.
Variant type: single nucleotide variant.
Coding change: c.669G>C on transcript NM_032730.5 (MANE Select); coding-DNA position 669, G replaced by C.
Protein change: p.Gln223His; replaces glutamine 223 with histidine.
Molecular consequence: missense variant.
Genome position (GRCh38, 1-based): chr6:106,602,874, C>G on the plus strand (G>C on the coding strand, the complement: RTN4IP1 is on the minus strand). VCF-style: chr6-106602874-C-G. GRCh37 (hg19) VCF-style: chr6-107050749-C-G.
Other names: c.369G>C, p.Gln123His (NM_001318746.1); short protein forms Q223H, Q123H.
Identifiers: ClinVar variation 1475388 (VCV001475388.6), dbSNP rs2114655737, ClinGen allele CA365159758.

ClinVar aggregate classification (germline): Uncertain significance (1 of 4 stars; one submission).

Submission:

Labcorp Genetics (formerly Invitae), Labcorp
Classification: Uncertain significance. Last evaluated: 2023-05-10. Review status: criteria provided, single submitter. Criteria: Invitae Variant Classification Sherloc (09022015). Collection method: clinical testing. Allele origin: germline.
Comment: In summary, the available evidence is currently insufficient to determine the role of this variant in disease. Therefore, it has been classified as a Variant of Uncertain Significance. Variants that disrupt the consensus splice site are a relatively common cause of aberrant splicing (PMID: 17576681, 9536098). Algorithms developed to predict the effect of sequence changes on RNA splicing suggest that this variant may disrupt the consensus splice site. An algorithm developed to predict the effect of missense changes on protein structure and function (PolyPhen-2) suggests that this variant is likely to be disruptive. ClinVar contains an entry for this variant (Variation ID: 1475388). This variant has not been reported in the literature in individuals affected with RTN4IP1-related conditions. This variant is not present in population databases (gnomAD no frequency). This sequence change replaces glutamine, which is neutral and polar, with histidine, which is basic and polar, at codon 223 of the RTN4IP1 protein (p.Gln223His). This variant also falls at the last nucleotide of exon 5, which is part of the consensus splice site for this exon.

Literature cited by the submitters: PubMed 17576681; PubMed 9536098.